The following is an entry in ClinVar:

ClinVar aggregate classification (germline): Likely pathogenic. Review status: criteria provided, multiple submitters, no conflicts (2 of 4 stars). 2 submissions from 2 submitters: Likely pathogenic (2). Last evaluated 2025-07-03.

Conditions:
Carnitine acylcarnitine translocase deficiency (CACTD). Identifiers: Orphanet 159, MedGen C0342791, MONDO:0008918, OMIM 212138.

gnomAD v4.1: 2 of 1,613,634 alleles (0.00012%); highest among the groups gnomAD compares: Admixed American, 0.0017%; no homozygotes.

Submissions (2):

Women's Health and Genetics/Laboratory Corporation of America, LabCorp
Classification: Likely pathogenic for Carnitine acylcarnitine translocase deficiency. Last evaluated: 2025-07-03. Review status: criteria provided, single submitter. Criteria: LabCorp Variant Classification Summary - May 2015. Collection method: clinical testing. Allele origin: germline.
Comment: Variant summary: SLC25A20 c.689C>G (p.Pro230Arg) results in a non-conservative amino acid change in the encoded protein sequence. Algorithms developed to predict the effect of missense changes on protein structure and function all suggest that this variant is likely to be disruptive. The variant was absent in 251058 control chromosomes (gnomAD). c.689C>G has been observed in individuals affected with Carnitine-Acylcarnitine Translocase Deficiency (Costa_2003, Zhang_2023). These data indicate that the variant may be associated with disease. At least one publication reports experimental evidence evaluating an impact on protein function. The most pronounced variant effect results in <10% of normal activity (Indiveri_2011). The following publications have been ascertained in the context of this evaluation (PMID: 12559850, 22020112, 16919490, 21605995, 37115522). No submitters have cited clinical-significance assessments for this variant to ClinVar. Based on the evidence outlined above, the variant was classified as likely pathogenic.

Juno Genomics, Hangzhou Juno Genomics, Inc
Classification: Likely pathogenic for Carnitine acylcarnitine translocase deficiency. Review status: criteria provided, single submitter. Criteria: ACMG Guidelines, 2015. Collection method: clinical testing. Allele origin: germline.
Comment: Absent from controls (or at extremely low frequency if recessive) in Genome Aggregation Database.;Multiple lines of computational evidence support a deleterious effect on the gene or gene product.;For recessive disorders, detected in trans with a pathogenic variant.;Co-segregation with disease in multiple affected family members.;Patient's phenotype or family history is highly specific for a disease with a single genetic etiology.

Literature cited by the submitters: PubMed 12559850 (cited by Women's Health and Genetics/Laboratory Corporation of America, LabCorp); PubMed 16919490 (cited by Women's Health and Genetics/Laboratory Corporation of America, LabCorp); PubMed 21605995 (cited by Women's Health and Genetics/Laboratory Corporation of America, LabCorp); PubMed 22020112 (cited by Women's Health and Genetics/Laboratory Corporation of America, LabCorp); PubMed 37115522 (cited by Women's Health and Genetics/Laboratory Corporation of America, LabCorp).

NM_000387.6(SLC25A20):c.689C>G (p.Pro230Arg)

Gene: SLC25A20 (solute carrier family 25 member 20; minus strand). Cytogenetic location: 3p21.31.
Variant type: single nucleotide variant.
Coding change: c.689C>G on transcript NM_000387.6 (MANE Select); coding-DNA position 689, C replaced by G.
Protein change: p.Pro230Arg; replaces proline 230 with arginine.
Molecular consequence: missense variant.
Genome position (GRCh38, 1-based): chr3:48,859,121, G>C on the plus strand (C>G on the coding strand, the complement: SLC25A20 is on the minus strand). VCF-style: chr3-48859121-G-C. GRCh37 (hg19) VCF-style: chr3-48896554-G-C.
Other names: short protein forms P230R.
Identifiers: ClinVar variation 3911921 (VCV003911921.4).